The following is an entry in ClinVar:

ClinVar aggregate classification (germline): Conflicting classifications of pathogenicity. Review status: criteria provided, conflicting classifications (1 of 4 stars). 3 submissions from 3 submitters: Pathogenic (1); Uncertain significance (2). Last evaluated 2026-09-18.

Conditions:
POGZ-related disorder. Also called: POGZ-related condition.
Intellectual disability. Also called: Intellectual developmental disorder; Intellectual functioning disability; intellectual disabilities. Identifiers: MedGen C3714756, MeSH D008607, MONDO:0001071, HP:0001249.

Submissions (3):

PreventionGenetics, part of Exact Sciences
Classification: Uncertain significance for POGZ-related condition. Last evaluated: 2026-09-18. Review status: criteria provided, single submitter. Criteria: ACMG Guidelines, 2015. Collection method: clinical testing. Allele origin: germline.
Comment: The POGZ c.1079-20A>G variant is predicted to interfere with splicing. This variant is predicted to activate a cryptic splice acceptor site and may impact splicing (SpliceAI, Jaganathan et al. 2019. PubMed ID: 30661751). This variant has not been reported in a large population database (gnomAD), indicating this variant is rare. This variant is interpreted as pathogenic by a single submitted in ClinVar who reports this variant arose de novo in an individual with an intellectual disability phenotype (Variation ID: 978965). While this variant could be pathogenic, at this time its clinical significance is interpreted as uncertain due to the absence of published conclusive functional and genetic evidence.

GeneDx
Classification: Uncertain significance. Last evaluated: 2026-09-06. Review status: criteria provided, single submitter. Criteria: GeneDx Variant Classification Process June 2021. Collection method: clinical testing. Allele origin: germline.
Comment: Not observed at significant frequency in large population cohorts (gnomAD); In silico analysis suggests this variant may impact gene splicing. In the absence of RNA/functional studies, the actual effect of this sequence change is unknown.; Has not been previously published as pathogenic or benign to our knowledge

Diagnostic Laboratory, Strasbourg University Hospital
Classification: Pathogenic for Intellectual disability. Last evaluated: 2020-04-20. Review status: criteria provided, single submitter. Criteria: ACMG Guidelines, 2015. Collection method: clinical testing. Allele origin: de novo. Inheritance: Autosomal dominant inheritance. Affected: yes. Observed: 1 heterozygote.

NM_015100.4(POGZ):c.1079-20A>G

Gene: POGZ (pogo transposable element derived with ZNF domain; minus strand). Cytogenetic location: 1q21.3.
Variant type: single nucleotide variant.
Coding change: c.1079-20A>G on transcript NM_015100.4 (MANE Select); 20 bases into the intron before coding-DNA position 1079, A replaced by G.
Molecular consequence: intron variant.
Genome position (GRCh38, 1-based): chr1:151,425,081, T>C on the plus strand (A>G on the coding strand, the complement: POGZ is on the minus strand). VCF-style: chr1-151425081-T-C. GRCh37 (hg19) VCF-style: chr1-151397557-T-C.
Other names: c.1079-20A>G (NM_015100.3); c.893-20A>G (NM_001194938.2); c.794-20A>G (NM_145796.4); c.1052-20A>G (NM_001194937.2); c.920-20A>G (NM_207171.2).
Identifiers: ClinVar variation 978965 (VCV000978965.5), dbSNP rs1657541606, ClinGen allele CA1139656313.
Genomic context (GRCh38, chr1:151,425,081, plus strand): 5'-TCCACCATCCTGGAGGTCAAATACTGGGATGGAAGAGGTCACTGAAAGAAGTGAGAAGAA[T>C]TGATAAGATTAATACAATGACACTGGAAAAAGATTACTGACCTTTTGGGAAAAAGTCAAA-3'